The following is an entry in ClinVar:

NM_030653.4(DDX11):c.1672C>T (p.Arg558Ter)

Gene: DDX11 (DEAD/H-box helicase 11; plus strand). Cytogenetic location: 12p11.21.
Variant type: single nucleotide variant.
Coding change: c.1672C>T on transcript NM_030653.4 (MANE Select); coding-DNA position 1672, C replaced by T.
Protein change: p.Arg558Ter; replaces arginine 558 with a stop codon.
Molecular consequence: nonsense.
Genome position (GRCh38, 1-based): chr12:31,096,900, C>T. VCF-style: chr12-31096900-C-T. GRCh37 (hg19) VCF-style: chr12-31249834-C-T.
Other names: c.1672C>T, p.Arg558Ter (NM_001257144.2, NM_004399.3, NM_152438.2); c.1594C>T, p.Arg532Ter (NM_001257145.2); short protein forms R532*, R558*.
Identifiers: ClinVar variation 992360 (VCV000992360.7), dbSNP rs201180239, ClinGen allele CA6501451.
Genomic context (GRCh38, chr12:31,096,900, plus strand): 5'-CCCGTTCTGCTCTGTGCAGCTCTTGCAGCCCCTGCAGACGAGAGTCAGGCCAGCACCCTG[C>T]GACCAGCTTCTCCACTGATGCACATCCAAGGCTTCCTGGCAGCTCTCACTACGGCCAACC-3'

ClinVar aggregate classification (germline): Pathogenic/Likely pathogenic. Review status: criteria provided, multiple submitters, no conflicts (2 of 4 stars). 6 submissions from 6 submitters: Pathogenic (3); Likely pathogenic (2). 1 of the submissions does not count toward it. Last evaluated 2026-09-23.

Conditions:
DDX11-related disorders.
Warsaw breakage syndrome (WABS). Also called: DDX11-Related Cohesinopathy. Identifiers: Orphanet 280558, MedGen C3150658, MONDO:0013252, OMIM 613398.

Allele frequency attached by ClinVar (database versions not stated): gnomAD 0.00006 and 0.00005; gnomAD exomes 0.00006 and 0.00005; TOPMed 0.00006; ExAC 0.00007; ESP Exome Variant Server 0.00015.
gnomAD v4.1: 78 of 1,614,024 alleles (0.0048%); highest among the groups gnomAD compares: Middle Eastern, 0.016%; no homozygotes.

Submissions (6):

Institute of Medical Genetics and Applied Genomics, University Hospital Tübingen
Classification: Pathogenic for Warsaw breakage syndrome. Last evaluated: 2026-09-23. Review status: criteria provided, single submitter. Criteria: ACMG Guidelines, 2015. Collection method: clinical testing. Allele origin: germline. Inheritance: Autosomal recessive inheritance. Affected: yes.

Blueprint Genetics
Classification: Likely pathogenic for DDX11-related disorders. Last evaluated: 2024-10-24. Review status: criteria provided, single submitter. Criteria: ACMG Guidelines, 2015. Collection method: clinical testing. Allele origin: germline. Affected: yes. Observed: 5 variant alleles.

Fulgent Genetics
Classification: Pathogenic for Warsaw breakage syndrome. Last evaluated: 2024-04-03. Review status: criteria provided, single submitter. Criteria: ACMG Guidelines, 2015. Collection method: clinical testing. Allele origin: germline.

Women's Health and Genetics/Laboratory Corporation of America, LabCorp
Classification: Pathogenic for Warsaw breakage syndrome. Last evaluated: 2023-05-31. Review status: criteria provided, single submitter. Criteria: LabCorp Variant Classification Summary - May 2015. Collection method: clinical testing. Allele origin: germline.
Comment: Variant summary: DDX11 c.1672C>T (p.Arg558X) results in a premature termination codon, predicted to cause absence of the protein due to nonsense mediated decay, which is a commonly known mechanism for disease. The variant allele was found at a frequency of 5.6e-05 in 251404 control chromosomes (gnomAD). c.1672C>T has been reported in the literature in compound heterozygous individuals affected with Warsaw Breakage Syndrome (van Schie_2020). These data indicate that the variant is likely associated with disease. The following publication has been ascertained in the context of this evaluation (PMID: 32855419). One clinical diagnostic laboratory has submitted a clinical-significance assessment for this variant to ClinVar after 2014 without evidence for independent evaluation, and classified it as likely pathogenic. Based on the evidence outlined above, the variant was classified as pathogenic.

Clinical Genetics Laboratory, Skane University Hospital Lund
Classification: Likely pathogenic. Last evaluated: 2022-05-27. Review status: criteria provided, single submitter. Criteria: ACMG Guidelines, 2015. Collection method: clinical testing. Allele origin: germline. Affected: yes.

Bioscientia Institut fuer Medizinische Diagnostik GmbH, Sonic Healthcare
Classification: Likely pathogenic for Warsaw breakage syndrome. Last evaluated: 2020-05-28. Review status: no assertion criteria provided. Collection method: clinical testing. Allele origin: germline. Affected: yes. Not counted in ClinVar's aggregate classification.

Literature cited by the submitters: PubMed 32855419 (cited by Women's Health and Genetics/Laboratory Corporation of America, LabCorp).